The following is an entry in ClinVar:

ClinVar aggregate classification (germline): Benign/Likely benign (0 of 4 stars; one submission).

Submission:

ISCA Site 6
Classification: Benign/Likely benign. Review status: no assertion criteria provided. Collection method: clinical testing. Allele origin: unknown. Affected: yes. Observed: 24 variant alleles. Clinical features observed: Developmental delay AND/OR other significant developmental or morphological phenotypes.
Comment: Likely benign (3), Benign (21)

Copy number variation identified through the course of routine clinical cytogenomic testing in postnatal populations, with clinical assertions as classified by the original submitter. For data from the original published study, Kaminsky, et al. 2011 (PubMed 21844811), please see nstd101.

GRCh37/hg19 4q32.3(chr4:165876480-165879671)x3

Genes: FAM218A (family with sequence similarity 218 member A; plus strand), TRIM61 (tripartite motif containing 61; minus strand). Cytogenetic location: 4q32.3.
Variant type: copy number gain.
Change: copy number 3 (three copies instead of two) of chr4:165,876,480-165,879,671 (3.2 kb, GRCh37 coordinates, 1-based), cytogenetic band 4q32.3.
Identifiers: ClinVar variation 395005 (VCV000395005.3).